The following is an entry in ClinVar:

ClinVar aggregate classification (germline): Uncertain significance (1 of 4 stars; one submission).

Submission:

GeneDx
Classification: Uncertain significance. Last evaluated: 2019-11-01. Review status: criteria provided, single submitter. Criteria: GeneDx Variant Classification Process June 2021. Collection method: clinical testing. Allele origin: germline. Affected: yes.
Comment: Not observed in large population cohorts (Lek et al., 2016); Has not been previously published as pathogenic or benign to our knowledge; In-silico analysis, which includes splice predictors and evolutionary conservation, is inconclusive as to whether the variant alters gene splicing. In the absence of RNA/functional studies, the actual effect of this sequence change is unknown

NM_003632.3(CNTNAP1):c.2993-12_2993-3del

Gene: CNTNAP1 (contactin associated protein 1; plus strand). Cytogenetic location: 17q21.2.
Variant type: Deletion.
Coding change: c.2993-12_2993-3del on transcript NM_003632.3 (MANE Select); 12 bases into the intron before coding-DNA position 2993 through 3 bases into the intron before coding-DNA position 2993, 10 bases deleted (TTCTACCTGC; older notation c.2993-12_2993-3delTTCTACCTGC).
Molecular consequence: intron variant.
Genome position (GRCh38, 1-based): chr17:42,695,509-42,695,518, TTCTACCTGC deleted; deleting any 10 consecutive bases within chr17:42,695,504-42,695,518 gives the same sequence; the c. name uses the placement nearest the transcript's 3' end. VCF-style (leftmost placement, unchanged base first): chr17-42695503-CCCTGCTTCTA-C. GRCh37 (hg19) VCF-style: chr17-40847521-CCCTGCTTCTA-C.
Identifiers: ClinVar variation 1309905 (VCV001309905.2), dbSNP rs2053139569, ClinGen allele CA2260601835.
Genomic context (GRCh38, chr17:42,695,503, plus strand): 5'-TGTGTATGGATGACATAAAACCTCTGAATTGGGGAGTGAGCAGTGTGGGGGCCCTAACCT[CCCTGCTTCTA>C]CCTGCAGATATTGGTGGTTTCTTTGAGCCGGGCACCTGGATGCGCTATAACCTACAGTCA-3'